The following is an entry in ClinVar:

NM_001038.6(SCNN1A):c.1148C>T (p.Thr383Ile)

Gene: SCNN1A (sodium channel epithelial 1 subunit alpha; minus strand). Cytogenetic location: 12p13.31.
Variant type: single nucleotide variant.
Coding change: c.1148C>T on transcript NM_001038.6 (MANE Select); coding-DNA position 1148, C replaced by T.
Protein change: p.Thr383Ile; replaces threonine 383 with isoleucine.
Molecular consequence: missense variant.
Genome position (GRCh38, 1-based): chr12:6,354,844, G>A on the plus strand (C>T on the coding strand, the complement: SCNN1A is on the minus strand). VCF-style: chr12-6354844-G-A. GRCh37 (hg19) VCF-style: chr12-6464010-G-A.
Other names: c.1217C>T, p.Thr406Ile (NM_001159575.2); c.1325C>T, p.Thr442Ile (NM_001159576.2); short protein forms T406I, T442I, T383I.
Identifiers: ClinVar variation 2799711 (VCV002799711.3), dbSNP rs777289941, ClinGen allele CA6405969.

ClinVar aggregate classification (germline): Uncertain significance (1 of 4 stars; one submission).

Allele frequency attached by ClinVar (database versions not stated): gnomAD exomes below 0.00001; ExAC 0.00001.
gnomAD v4.1: 4 of 1,613,556 alleles (0.00025%); highest among the groups gnomAD compares: South Asian, 0.0044%; no homozygotes.

Submission:

Labcorp Genetics (formerly Invitae), Labcorp
Classification: Uncertain significance. Last evaluated: 2023-03-18. Review status: criteria provided, single submitter. Criteria: Invitae Variant Classification Sherloc (09022015). Collection method: clinical testing. Allele origin: germline.
Comment: This variant is present in population databases (rs777289941, gnomAD 0.003%). This sequence change replaces threonine, which is neutral and polar, with isoleucine, which is neutral and non-polar, at codon 383 of the SCNN1A protein (p.Thr383Ile). This variant has not been reported in the literature in individuals affected with SCNN1A-related conditions. In summary, the available evidence is currently insufficient to determine the role of this variant in disease. Therefore, it has been classified as a Variant of Uncertain Significance. Advanced modeling of protein sequence and biophysical properties (such as structural, functional, and spatial information, amino acid conservation, physicochemical variation, residue mobility, and thermodynamic stability) performed at Invitae indicates that this missense variant is not expected to disrupt SCNN1A protein function.